The following is an entry in ClinVar:

ClinVar aggregate classification (germline): Conflicting classifications of pathogenicity. Review status: criteria provided, conflicting classifications (1 of 4 stars). 6 submissions from 6 submitters: Uncertain significance (1); Benign (1); Likely benign (3). 1 of the submissions does not count toward it. Last evaluated 2026-01-27.

Conditions:
NEXMIF-related disorder. Also called: NEXMIF-related condition.

Allele frequency attached by ClinVar (database versions not stated): gnomAD 0.00001; ExAC 0.00003; TOPMed 0.00003; gnomAD exomes 0.00012.
gnomAD v4.1: 24 of 1,209,603 alleles (0.002%); highest among the groups gnomAD compares: Admixed American, 0.05%; no homozygotes.

Submissions (7):

Labcorp Genetics (formerly Invitae), Labcorp
Classification: Benign. Last evaluated: 2026-01-27. Review status: criteria provided, single submitter. Criteria: Invitae Variant Classification Sherloc (09022015). Collection method: clinical testing. Allele origin: germline.

Ambry Genetics
Classification: Likely benign. Last evaluated: 2025-11-07. Review status: criteria provided, single submitter. Criteria: Ambry Variant Classification Scheme 2023. Collection method: clinical testing. Allele origin: germline.

Women's Health and Genetics/Laboratory Corporation of America, LabCorp
Classification: Uncertain significance. Last evaluated: 2025-10-13. Review status: criteria provided, single submitter. Criteria: LabCorp Variant Classification Summary - May 2015. Collection method: clinical testing. Allele origin: germline.
Comment: Variant summary: NEXMIF c.1196A>G (p.Asp399Gly) results in a non-conservative amino acid change in the encoded protein sequence. Algorithms developed to predict the effect of missense changes on protein structure and function are either unavailable or do not agree on the potential impact of this missense change. The variant allele was found at a frequency of 2e-05 in 1209603 control chromosomes, including 3 hemizygotes. This frequency is not significantly higher than estimated for disease-causing variants in NEXMIF, allowing no conclusion about variant significance. To our knowledge, no occurrence of c.1196A>G in individuals affected with NEXMIF-related conditions and no experimental evidence demonstrating its impact on protein function have been reported. ClinVar contains an entry for this variant (Variation ID: 589591). Based on the evidence outlined above, the variant was classified as uncertain significance.

CeGaT Center for Human Genetics Tuebingen
Classification: Likely benign. Last evaluated: 2024-06-01. Review status: criteria provided, single submitter. Criteria: CeGaT Center For Human Genetics Tuebingen Variant Classification Criteria Version 2. Collection method: clinical testing. Allele origin: germline. Affected: yes. Observed: 1 variant allele.
Comment: NEXMIF: BP4, BS2

Breakthrough Genomics
Classification: Likely benign. Review status: criteria provided, single submitter. Criteria: ACMG Guidelines, 2015. Collection method: not provided. Allele origin: germline. Inheritance: X-linked inheritance. Affected: yes.

PreventionGenetics, part of Exact Sciences
Classification: Likely benign for NEXMIF-related condition. Last evaluated: 2023-07-31. Review status: no assertion criteria provided. Collection method: clinical testing. Allele origin: germline. Not counted in ClinVar's aggregate classification.
Comment: This variant is classified as likely benign based on ACMG/AMP sequence variant interpretation guidelines (Richards et al. 2015 PMID: 25741868, with internal and published modifications).

Dr. Peter K. Rogan Lab, Western University
No classification provided (evidence only). Condition: Thyroid cancer, nonmedullary, 1. Review status: no classification provided. Collection method: in vitro. Allele origin: not applicable. Functional consequence: retained intron. Not counted in ClinVar's aggregate classification.

NM_001008537.3(NEXMIF):c.1196A>G (p.Asp399Gly)

Gene: NEXMIF (neurite extension and migration factor; minus strand). Cytogenetic location: Xq13.3.
Variant type: single nucleotide variant.
Coding change: c.1196A>G on transcript NM_001008537.3 (MANE Select); coding-DNA position 1196, A replaced by G.
Protein change: p.Asp399Gly; replaces aspartic acid 399 with glycine.
Molecular consequence: missense variant.
Genome position (GRCh38, 1-based): chrX:74,743,361, T>C on the plus strand (A>G on the coding strand, the complement: NEXMIF is on the minus strand). VCF-style: chrX-74743361-T-C. GRCh37 (hg19) VCF-style: chrX-73963196-T-C.
Other names: short protein forms D399G.
Identifiers: ClinVar variation 589591 (VCV000589591.36), dbSNP rs776363168, ClinGen allele CA10455141.
Genomic context (GRCh38, chrX:74,743,361, plus strand): 5'-TCTACTTCAGTCCCACTGCATGGTTTATTTAAGGCAGGCTTTTCTCCATTATCCTTTCCA[T>C]CTTTCTTCTCTACACCTTTGTCTTCCTGTCCTTCCTCTTTGCCTTTCTTCTTGTCCAAGT-3'
Protein context (NP_001008537.1, residues 389-409): GQEDKGVEKK[Asp399Gly]GKDNGEKPAL